The following is an entry in ClinVar:

ClinVar aggregate classification (germline): Uncertain significance. Review status: criteria provided, multiple submitters, no conflicts (2 of 4 stars). 3 submissions from 3 submitters: Uncertain significance (3). Last evaluated 2024-12-26.

Conditions:
Cardiovascular phenotype. Identifiers: MedGen CN230736.
Arrhythmogenic cardiomyopathy with wooly hair and keratoderma. Also called: Dilated cardiomyopathy with woolly hair and keratoderma; PALMOPLANTAR KERATODERMA WITH LEFT VENTRICULAR CARDIOMYOPATHY AND WOOLLY HAIR; Arrhythmogenic cardiomyopathy with woolly hair and keratoderma; Carvajal syndrome. Identifiers: Orphanet 65282, MedGen C1854063, MONDO:0011581, OMIM 605676.
Arrhythmogenic right ventricular dysplasia 8 (ARVD8). Also called: Arrhythmogenic Right Ventricular Dysplasia/Cardiomyopathy 8; ARRHYTHMOGENIC RIGHT VENTRICULAR DYSPLASIA, FAMILIAL, 8; ARRHYTHMOGENIC RIGHT VENTRICULAR CARDIOMYOPATHY 8. Identifiers: MedGen C1843896, MONDO:0011831, OMIM 607450.
Cardiomyopathy (CMYO). Also called: Cardiomyopathies. Identifiers: Orphanet 167848, MedGen C0878544, MONDO:0004994, HP:0001638. Inheritance: Various modes of inheritance.

Allele frequency attached by ClinVar (database versions not stated): TOPMed below 0.00001.
gnomAD v4.1: 2 of 1,614,094 alleles (0.00012%); highest among the groups gnomAD compares: Non-Finnish European, 0.00017%; no homozygotes.

Submissions (3):

Labcorp Genetics (formerly Invitae), Labcorp
Classification: Uncertain significance for Arrhythmogenic cardiomyopathy with wooly hair and keratoderma; Arrhythmogenic right ventricular dysplasia 8. Last evaluated: 2024-12-26. Review status: criteria provided, single submitter. Criteria: Invitae Variant Classification Sherloc (09022015). Collection method: clinical testing. Allele origin: germline.
Comment: This sequence change replaces valine, which is neutral and non-polar, with phenylalanine, which is neutral and non-polar, at codon 722 of the DSP protein (p.Val722Phe). This variant is not present in population databases (gnomAD no frequency). This variant has not been reported in the literature in individuals affected with DSP-related conditions. ClinVar contains an entry for this variant (Variation ID: 658103). An algorithm developed to predict the effect of missense changes on protein structure and function (PolyPhen-2) suggests that this variant¬¨‚Ä†is likely to be tolerated. In summary, the available evidence is currently insufficient to determine the role of this variant in disease. Therefore, it has been classified as a Variant of Uncertain Significance.

Color Diagnostics, LLC DBA Color Health
Classification: Uncertain significance for Cardiomyopathy. Last evaluated: 2023-12-05. Review status: criteria provided, single submitter. Criteria: ACMG Guidelines, 2015. Collection method: clinical testing. Allele origin: germline.
Comment: Variant of Uncertain Significance due to insufficient evidence: This missense variant replaces valine with phenylalanine at codon 722 of the DSP protein. Computational prediction tools and conservation analyses suggest that this variant may not impact the protein function. Computational splicing tools suggest that this variant may not impact RNA splicing. To our knowledge, functional assays have not been performed for this variant nor has this variant been reported in individuals affected with cardiovascular disorders in the literature. This variant is rare in the general population and has been identified in 0/277264 chromosomes by the Genome Aggregation Database (gnomAD). Available evidence is insufficient to determine the role of this variant in disease conclusively.

Ambry Genetics
Classification: Uncertain significance for Cardiovascular phenotype. Last evaluated: 2020-11-09. Review status: criteria provided, single submitter. Criteria: Ambry Variant Classification Scheme 2023. Collection method: clinical testing. Allele origin: germline.
Comment: The p.V722F variant (also known as c.2164G>T), located in coding exon 16 of the DSP gene, results from a G to T substitution at nucleotide position 2164. The valine at codon 722 is replaced by phenylalanine, an amino acid with highly similar properties. This amino acid position is well conserved in available vertebrate species; however, phenylalanine is the reference amino acid in other vertebrate species. In addition, this alteration is predicted to be tolerated by in silico analysis. Since supporting evidence is limited at this time, the clinical significance of this alteration remains unclear.

NM_004415.4(DSP):c.2164G>T (p.Val722Phe)

Gene: DSP (desmoplakin; plus strand). Cytogenetic location: 6p24.3.
Variant type: single nucleotide variant.
Coding change: c.2164G>T on transcript NM_004415.4 (MANE Select); coding-DNA position 2164, G replaced by T.
Protein change: p.Val722Phe; replaces valine 722 with phenylalanine.
Molecular consequence: missense variant.
Genome position (GRCh38, 1-based): chr6:7,574,119, G>T. VCF-style: chr6-7574119-G-T. GRCh37 (hg19) VCF-style: chr6-7574352-G-T.
Other names: c.2164G>T (LRG_423t1); c.2164G>T, p.Val722Phe (NM_001008844.3, NM_001319034.2); short protein forms V722F.
Identifiers: ClinVar variation 658103 (VCV000658103.14), dbSNP rs1581808686, ClinGen allele CA362680708.